The following is an entry in ClinVar:

NM_001814.6(CTSC):c.*253T>C

Gene: CTSC (cathepsin C; minus strand). Cytogenetic location: 11q14.2.
Variant type: single nucleotide variant.
Coding change: c.*253T>C on transcript NM_001814.6 (MANE Select); 253 bases downstream of the stop codon, T replaced by C.
Molecular consequence: 3 prime UTR variant.
Genome position (GRCh38, 1-based): chr11:88,293,753, A>G on the plus strand (T>C on the coding strand, the complement: CTSC is on the minus strand). VCF-style: chr11-88293753-A-G. GRCh37 (hg19) VCF-style: chr11-88026921-A-G.
Other names: c.*253T>C (LRG_50t1).
Identifiers: ClinVar variation 306416 (VCV000306416.5), dbSNP rs116618365, ClinGen allele CA10631710.

ClinVar aggregate classification (germline): Benign. Review status: criteria provided, single submitter (1 of 4 stars). 2 submissions from 1 submitter: Benign (2). Last evaluated 2018-01-13.

Conditions:
Haim-Munk syndrome (HMS). Also called: COCHIN JEWISH DISORDER; KERATOSIS PALMOPLANTARIS WITH PERIODONTOPATHIA AND ONYCHOGRYPOSIS. Identifiers: Orphanet 2342, MedGen C1855627, MONDO:0009491, OMIM 245010.
Papillon-Lefèvre syndrome (PALS). Also called: KERATOSIS PALMOPLANTARIS WITH PERIODONTOPATHIA; Papillon-Lefevre Disease. Identifiers: Orphanet 678, MedGen C0030360, MONDO:0009490, OMIM 245000.

Allele frequency attached by ClinVar (database versions not stated): gnomAD exomes 0.00116; gnomAD 0.00668 and 0.00709; TOPMed 0.00776; 1000 Genomes Project 0.00779; 1000 Genomes Project 30x 0.00906.
gnomAD v4.1: 1,455 of 516,386 alleles (0.28%); highest among the groups gnomAD compares: African/African-American, 2.3%; 20 homozygotes.

Submissions (2):

Illumina Laboratory Services, Illumina
Classification: Benign for Haim-Munk syndrome. Last evaluated: 2018-01-13. Review status: criteria provided, single submitter. Criteria: ICSL Variant Classification Criteria 13 December 2019. Collection method: clinical testing. Allele origin: germline.
Comment: This variant was observed in the ICSL laboratory as part of a predisposition screen in an ostensibly healthy population. It had not been previously curated by ICSL or reported in the Human Gene Mutation Database (HGMD: prior to June 1st, 2018), and was therefore a candidate for classification through an automated scoring system. Utilizing variant allele frequency, disease prevalence and penetrance estimates, and inheritance mode, an automated score was calculated to assess if this variant is too frequent to cause the disease. Based on the score and internal cut-off values, a variant classified as benign is not then subjected to further curation. The score for this variant resulted in a classification of benign for this disease.

Illumina Laboratory Services, Illumina
Classification: Benign for Papillon-Lefèvre syndrome. Last evaluated: 2018-01-13. Review status: criteria provided, single submitter. Criteria: ICSL Variant Classification Criteria 13 December 2019. Collection method: clinical testing. Allele origin: germline.
Comment: the same text as in the submission from Illumina Laboratory Services, Illumina above.